The following is an entry in ClinVar:

ClinVar aggregate classification (germline): Uncertain significance (1 of 4 stars; one submission).

Allele frequency attached by ClinVar (database versions not stated): ExAC 0.00001; gnomAD exomes 0.00001.
gnomAD v4.1: 3 of 1,211,885 alleles (0.00025%); highest among the groups gnomAD compares: East Asian, 0.0059%; no homozygotes.

Submission:

Labcorp Genetics (formerly Invitae), Labcorp
Classification: Uncertain significance. Last evaluated: 2023-09-08. Review status: criteria provided, single submitter. Criteria: Invitae Variant Classification Sherloc (09022015). Collection method: clinical testing. Allele origin: germline.
Comment: This variant is present in population databases (rs781936333, gnomAD 0.02%), including at least one homozygous and/or hemizygous individual. In summary, the available evidence is currently insufficient to determine the role of this variant in disease. Therefore, it has been classified as a Variant of Uncertain Significance. Advanced modeling of protein sequence and biophysical properties (such as structural, functional, and spatial information, amino acid conservation, physicochemical variation, residue mobility, and thermodynamic stability) performed at Invitae indicates that this missense variant is not expected to disrupt ATP6AP1 protein function. ClinVar contains an entry for this variant (Variation ID: 1508732). This variant has not been reported in the literature in individuals affected with ATP6AP1-related conditions. This sequence change replaces arginine, which is basic and polar, with leucine, which is neutral and non-polar, at codon 344 of the ATP6AP1 protein (p.Arg344Leu).

NM_001183.6(ATP6AP1):c.1031G>T (p.Arg344Leu)

Gene: ATP6AP1 (ATPase H+ transporting accessory protein 1; plus strand). Cytogenetic location: Xq28.
Variant type: single nucleotide variant.
Coding change: c.1031G>T on transcript NM_001183.6 (MANE Select); coding-DNA position 1031, G replaced by T.
Protein change: p.Arg344Leu; replaces arginine 344 with leucine.
Molecular consequence: missense variant.
Genome position (GRCh38, 1-based): chrX:154,435,333, G>T. VCF-style: chrX-154435333-G-T. GRCh37 (hg19) VCF-style: chrX-153663679-G-T.
Other names: short protein forms R344L.
Identifiers: ClinVar variation 1508732 (VCV001508732.8), dbSNP rs781936333, ClinGen allele CA10562755.